The following is an entry in ClinVar:

ClinVar aggregate classification (germline): Conflicting classifications of pathogenicity. Review status: criteria provided, conflicting classifications (1 of 4 stars). 2 submissions from 2 submitters: Uncertain significance (1); Likely benign (1). Last evaluated 2025-10-13.

Conditions:
Epidermolysis bullosa simplex 3, localized or generalized intermediate, with BP230 deficiency (EBS3). Also called: Epidermolysis bullosa simplex due to BP230 deficiency; Epidermolysis bullosa simplex, autosomal recessive 2. Identifiers: Orphanet 412181, MedGen C3809470, MONDO:0014180, OMIM 615425.
Hereditary sensory and autonomic neuropathy type 6. Also called: HSAN VI; Neuropathy, hereditary sensory and autonomic, type VI. Identifiers: Orphanet 314381, MedGen C3539003, MONDO:0013839, OMIM 614653.
DST-related disorder. Also called: DST-related disorders; DST-related condition.

Allele frequency attached by ClinVar (database versions not stated): gnomAD exomes below 0.00001; ExAC 0.00003; gnomAD 0.00006; TOPMed 0.00006.
gnomAD v4.1: 15 of 1,613,494 alleles (0.00093%); highest among the groups gnomAD compares: African/African-American, 0.017%; no homozygotes.

Submissions (2):

PreventionGenetics, part of Exact Sciences
Classification: Likely benign for DST-related condition. Last evaluated: 2025-10-13. Review status: criteria provided, single submitter. Criteria: ACMG Guidelines, 2015. Collection method: clinical testing. Allele origin: germline.
Comment: This variant is classified as likely benign based on ACMG/AMP sequence variant interpretation guidelines (Richards et al. 2015 PMID: 25741868, with internal and published modifications).

Labcorp Genetics (formerly Invitae), Labcorp
Classification: Uncertain significance for Epidermolysis bullosa simplex 3, localized or generalized intermediate, with BP230 deficiency; Hereditary sensory and autonomic neuropathy type 6. Last evaluated: 2022-09-01. Review status: criteria provided, single submitter. Criteria: Invitae Variant Classification Sherloc (09022015). Collection method: clinical testing. Allele origin: germline.
Comment: The DST gene has multiple clinically relevant transcripts. This variant occurs in alternate transcript NM_015548.4, and corresponds to NM_001723.5:c.*85534A>G in the primary transcript. This sequence change affects codon 3130 of the DST mRNA. It is a 'silent' change, meaning that it does not change the encoded amino acid sequence of the DST protein. This variant is present in population databases (rs752977453, gnomAD 0.02%). This variant has not been reported in the literature in individuals affected with DST-related conditions. Experimental studies and prediction algorithms are not available or were not evaluated, and the effect of this variant on mRNA splicing is currently unknown. In summary, the available evidence is currently insufficient to determine the role of this variant in disease. Therefore, it has been classified as a Variant of Uncertain Significance.

NM_001374736.1(DST):c.17259A>G (p.Ala5753=)

Gene: DST (dystonin; minus strand). Cytogenetic location: 6p12.1.
Variant type: single nucleotide variant.
Coding change: c.17259A>G on transcript NM_001374736.1 (MANE Select); coding-DNA position 17259, A replaced by G.
Protein change: p.Ala5753=; no amino-acid change (alanine 5753 retained).
Molecular consequence: synonymous variant.
Genome position (GRCh38, 1-based): chr6:56,529,983, T>C on the plus strand (A>G on the coding strand, the complement: DST is on the minus strand). VCF-style: chr6-56529983-T-C. GRCh37 (hg19) VCF-style: chr6-56394781-T-C.
Other names: c.10902A>G, p.Ala3634= (NM_001144769.5); c.10488A>G, p.Ala3496= (NM_001144770.2); c.17259A>G, p.Ala5753= (NM_001374722.1); c.16626A>G, p.Ala5542= (NM_001374729.1); c.10368A>G, p.Ala3456= (NM_001374730.1, NM_001386100.1, NM_183380.4); c.17286A>G, p.Ala5762= (NM_001374734.1); c.9390A>G, p.Ala3130= (NM_015548.5); c.10902A>G (NM_001144769.2).
Identifiers: ClinVar variation 1951889 (VCV001951889.3), dbSNP rs752977453, ClinGen allele CA3867482.